The following is an entry in ClinVar:

ClinVar aggregate classification (germline): Benign. Review status: criteria provided, multiple submitters, no conflicts (2 of 4 stars). 3 submissions from 3 submitters: Benign (3). Last evaluated 2026-02-04.

Conditions:
Joubert syndrome 30. Identifiers: MedGen C4539937, MONDO:0033308, OMIM 617622.

Submissions (3):

Labcorp Genetics (formerly Invitae), Labcorp
Classification: Benign. Last evaluated: 2026-02-04. Review status: criteria provided, single submitter. Criteria: Invitae Variant Classification Sherloc (09022015). Collection method: clinical testing. Allele origin: germline.

Intergen Genetics and Rare Diseases Diagnosis Center
Classification: Benign for Joubert syndrome 30. Last evaluated: 2023-07-04. Review status: criteria provided, single submitter. Criteria: ACMG Guidelines, 2015. Collection method: clinical testing. Allele origin: unknown. Inheritance: Autosomal recessive inheritance. Affected: no.

Laboratorio de Genetica e Diagnostico Molecular, Hospital Israelita Albert Einstein
Classification: Benign. Last evaluated: 2021-04-12. Review status: criteria provided, single submitter. Criteria: ACMG Guidelines, 2015. Collection method: clinical testing. Allele origin: germline. Affected: yes.
Comment: ACMG classification criteria: BA1

NM_001352754.2(ARMC9):c.538_539delinsGA (p.Ile180Glu)

Gene: ARMC9 (armadillo repeat containing 9; plus strand). Cytogenetic location: 2q37.1.
Variant type: Indel.
Coding change: c.538_539delinsGA on transcript NM_001352754.2 (MANE Select); coding-DNA positions 538 to 539, AT replaced by GA.
Protein change: p.Ile180Glu; replaces isoleucine 180 with glutamic acid.
Molecular consequence: missense variant. On other transcripts: non-coding transcript variant (1).
Genome position (GRCh38, 1-based): chr2:231,222,761-231,222,762, AT replaced by GA. VCF-style: chr2-231222761-AT-GA. GRCh37 (hg19) VCF-style: chr2-232087474-AT-GA.
Other names: c.538_539delinsGA, p.Ile180Glu (NM_001271466.4, NM_001291656.2, NM_001352755.2 and 5 more transcripts); short protein forms I180E.
Identifiers: ClinVar variation 1166067 (VCV001166067.13), dbSNP rs386656198, ClinGen allele CA66822738.